The following is an entry in ClinVar:

ClinVar aggregate classification (germline): Uncertain significance. Review status: criteria provided, multiple submitters, no conflicts (2 of 4 stars). 2 submissions from 2 submitters: Uncertain significance (2). Last evaluated 2026-06-12.

Conditions:
Cardiovascular phenotype. Identifiers: MedGen CN230736.

Submissions (2):

Ambry Genetics
Classification: Uncertain significance for Cardiovascular phenotype. Last evaluated: 2026-06-12. Review status: criteria provided, single submitter. Criteria: Ambry Variant Classification Scheme 2023. Collection method: clinical testing. Allele origin: germline.
Comment: The p.P75L variant (also known as c.224C>T), located in coding exon 1 of the ALPK3 gene, results from a C to T substitution at nucleotide position 224. The proline at codon 75 is replaced by leucine, an amino acid with similar properties. This amino acid position is conserved. In addition, this alteration is predicted to be tolerated by in silico analysis. Based on the available evidence, the clinical significance of this variant remains unclear.

Labcorp Genetics (formerly Invitae), Labcorp
Classification: Uncertain significance. Last evaluated: 2024-05-08. Review status: criteria provided, single submitter. Criteria: Invitae Variant Classification Sherloc (09022015). Collection method: clinical testing. Allele origin: germline.
Comment: This sequence change replaces proline, which is neutral and non-polar, with leucine, which is neutral and non-polar, at codon 75 of the ALPK3 protein (p.Pro75Leu). The frequency data for this variant in the population databases is considered unreliable, as metrics indicate poor data quality at this position in the gnomAD database. This variant has not been reported in the literature in individuals affected with ALPK3-related conditions. Algorithms developed to predict the effect of missense changes on protein structure and function output the following: SIFT: "Not Available"; PolyPhen-2: "Possibly Damaging"; Align-GVGD: "Not Available". The leucine amino acid residue is found in multiple mammalian species, which suggests that this missense change does not adversely affect protein function. In summary, the available evidence is currently insufficient to determine the role of this variant in disease. Therefore, it has been classified as a Variant of Uncertain Significance.

NC_000015.10:g.84817070C>T

Gene: ALPK3 (alpha kinase 3; plus strand). Cytogenetic location: 15q25.3.
Variant type: single nucleotide variant.
Genome position: GRCh38 VCF-style: chr15-84817070-C-T. GRCh37 (hg19) VCF-style: chr15-85360301-C-T.
Identifiers: ClinVar variation 3623820 (VCV003623820.3).